The following is an entry in ClinVar:

NM_001035.3(RYR2):c.10494+4A>G

Gene: RYR2 (ryanodine receptor 2; plus strand). Cytogenetic location: 1q43.
Variant type: single nucleotide variant.
Coding change: c.10494+4A>G on transcript NM_001035.3 (MANE Select); 4 bases into the intron after coding-DNA position 10494, A replaced by G.
Molecular consequence: intron variant.
Genome position (GRCh38, 1-based): chr1:237,717,372, A>G. VCF-style: chr1-237717372-A-G. GRCh37 (hg19) VCF-style: chr1-237880672-A-G.
Identifiers: ClinVar variation 3071274 (VCV003071274.1), dbSNP rs2547452750, ClinGen allele CA2825000935.

ClinVar aggregate classification (germline): Uncertain significance (1 of 4 stars; one submission).

Conditions:
Catecholaminergic polymorphic ventricular tachycardia (CVPT). Also called: Catecholamine-induced polymorphic ventricular tachycardia. Identifiers: Orphanet 3286, MedGen C5574922, MONDO:0017990.

Submission:

All of Us Research Program, National Institutes of Health
Classification: Uncertain significance for Catecholaminergic polymorphic ventricular tachycardia. Last evaluated: 2023-05-16. Review status: criteria provided, single submitter. Criteria: ACMG Guidelines, 2015. Collection method: clinical testing. Allele origin: germline. Inheritance: Autosomal dominant inheritance. Observed: 1 variant allele, 1 heterozygote.
Comment: This variant causes an A to G nucleotide substitution at the +4 position of intron 72 of the RYR2 gene. To our knowledge, functional studies have not been reported for this variant. This variant has not been reported in individuals affected with RYR2-related disorders in the literature. This variant has not been identified in the general population by the Genome Aggregation Database (gnomAD). The available evidence is insufficient to determine the role of this variant in disease conclusively. Therefore, this variant is classified as a Variant of Uncertain Significance.

This study involves interpretation of variants in research participants for the purpose of population health screening. Participant phenotype was not available at the time of variant classification. Additional details can be found in publication PMID: 35346344, PMCID: PMC8962531